The following is an entry in ClinVar:

NM_002907.4(RECQL):c.196G>A (p.Ala66Thr)

Gene: RECQL (RecQ like helicase; minus strand). Cytogenetic location: 12p12.1.
Variant type: single nucleotide variant.
Coding change: c.196G>A on transcript NM_002907.4 (MANE Select); coding-DNA position 196, G replaced by A.
Protein change: p.Ala66Thr; replaces alanine 66 with threonine.
Molecular consequence: missense variant.
Genome position (GRCh38, 1-based): chr12:21,491,537, C>T on the plus strand (G>A on the coding strand, the complement: RECQL is on the minus strand). VCF-style: chr12-21491537-C-T. GRCh37 (hg19) VCF-style: chr12-21644471-C-T.
Other names: c.196G>A, p.Ala66Thr (NM_032941.3); short protein forms A66T.
Identifiers: ClinVar variation 3944192 (VCV003944192.1).

ClinVar aggregate classification (germline): Uncertain significance (1 of 4 stars; one submission).

Submission:

Ambry Genetics
Classification: Uncertain significance. Last evaluated: 2025-03-20. Review status: criteria provided, single submitter. Criteria: Ambry Variant Classification Scheme 2023. Collection method: clinical testing. Allele origin: germline.
Comment: The p.A66T variant (also known as c.196G>A), located in coding exon 2 of the RECQL gene, results from a G to A substitution at nucleotide position 196. The alanine at codon 66 is replaced by threonine, an amino acid with similar properties. This amino acid position is conserved. In addition, this alteration is predicted to be tolerated by in silico analysis. Based on the available evidence, the clinical significance of this variant remains unclear.